The following is an entry in ClinVar:

ClinVar aggregate classification (germline): Likely benign. Review status: criteria provided, multiple submitters, no conflicts (2 of 4 stars). 2 submissions from 2 submitters: Likely benign (2). Last evaluated 2025-12-23.

Conditions:
Glycogen storage disease, type V (GSD5). Also called: McArdle type glycogen storage disease; MCARDLE DISEASE; MUSCLE GLYCOGEN PHOSPHORYLASE DEFICIENCY; MYOPHOSPHORYLASE DEFICIENCY; PYGM DEFICIENCY. Identifiers: Orphanet 368, MedGen C0017924, MONDO:0009293, OMIM 232600.

Allele frequency attached by ClinVar (database versions not stated): ExAC 0.00002; gnomAD exomes 0.00002; TOPMed 0.00002.
gnomAD v4.1: 45 of 1,612,760 alleles (0.0028%); highest among the groups gnomAD compares: Non-Finnish European, 0.0036%; no homozygotes.

Submissions (2):

Labcorp Genetics (formerly Invitae), Labcorp
Classification: Likely benign for Glycogen storage disease, type V. Last evaluated: 2025-12-23. Review status: criteria provided, single submitter. Criteria: Invitae Variant Classification Sherloc (09022015). Collection method: clinical testing. Allele origin: germline.

GeneDx
Classification: Likely benign. Last evaluated: 2017-11-27. Review status: criteria provided, single submitter. Criteria: GeneDx Variant Classification (06012015). Collection method: clinical testing. Allele origin: germline. Affected: yes.
Comment: This variant is considered likely benign or benign based on one or more of the following criteria: it is a conservative change, it occurs at a poorly conserved position in the protein, it is predicted to be benign by multiple in silico algorithms, and/or has population frequency not consistent with disease.

NM_005609.4(PYGM):c.345+17G>A

Gene: PYGM (glycogen phosphorylase, muscle associated; minus strand). Cytogenetic location: 11q13.1.
Variant type: single nucleotide variant.
Coding change: c.345+17G>A on transcript NM_005609.4 (MANE Select); 17 bases into the intron after coding-DNA position 345, G replaced by A.
Molecular consequence: intron variant.
Genome position (GRCh38, 1-based): chr11:64,758,586, C>T on the plus strand (G>A on the coding strand, the complement: PYGM is on the minus strand). VCF-style: chr11-64758586-C-T. GRCh37 (hg19) VCF-style: chr11-64526058-C-T.
Other names: c.244-320G>A (NM_001164716.1).
Identifiers: ClinVar variation 513497 (VCV000513497.2), dbSNP rs774602584, ClinGen allele CA6080300.
Genomic context (GRCh38, chr11:64,758,586, plus strand): 5'-GAGGGTGACAGTGGTCAGGGTCAAGTGTCAGCAGTGGAATCCCCCAGTCCCCACGGCTTG[C>T]CCCACCCCACACACACCTGGTAGGTGGCCTCGTCACAGGCATTCTCTAAGGCCAGGTTCA-3'